The following is an entry in ClinVar:

ClinVar aggregate classification (germline): Uncertain significance (1 of 4 stars; one submission).

Conditions:
DICER1-related tumor predisposition. Also called: DICER1 syndrome; DICER1-related pleuropulmonary blastoma cancer predisposition syndrome. Identifiers: Orphanet 284343, MedGen C3839822, MONDO:0100216.

Submission:

Labcorp Genetics (formerly Invitae), Labcorp
Classification: Uncertain significance for DICER1-related tumor predisposition. Last evaluated: 2025-08-30. Review status: criteria provided, single submitter. Criteria: Invitae Variant Classification Sherloc (09022015). Collection method: clinical testing. Allele origin: germline.
Comment: This sequence change replaces serine, which is neutral and polar, with leucine, which is neutral and non-polar, at codon 1216 of the DICER1 protein (p.Ser1216Leu). This variant is not present in population databases (gnomAD no frequency). This variant has not been reported in the literature in individuals affected with DICER1-related conditions. ClinVar contains an entry for this variant (Variation ID: 1720063). Invitae Evidence Modeling of protein sequence and biophysical properties (such as structural, functional, and spatial information, amino acid conservation, physicochemical variation, residue mobility, and thermodynamic stability) indicates that this missense variant is not expected to disrupt DICER1 protein function with a negative predictive value of 95%. In summary, the available evidence is currently insufficient to determine the role of this variant in disease. Therefore, it has been classified as a Variant of Uncertain Significance.

NM_177438.3(DICER1):c.3647C>T (p.Ser1216Leu)

Gene: DICER1 (dicer 1, ribonuclease III; minus strand). Cytogenetic location: 14q32.13.
Variant type: single nucleotide variant.
Coding change: c.3647C>T on transcript NM_177438.3 (MANE Select); coding-DNA position 3647, C replaced by T.
Protein change: p.Ser1216Leu; replaces serine 1216 with leucine.
Molecular consequence: missense variant. On other transcripts: non-coding transcript variant (6).
Genome position (GRCh38, 1-based): chr14:95,103,749, G>A on the plus strand (C>T on the coding strand, the complement: DICER1 is on the minus strand). VCF-style: chr14-95103749-G-A. GRCh37 (hg19) VCF-style: chr14-95570086-G-A.
Other names: c.3647C>T, p.Ser1216Leu (NM_001195573.1, NM_001271282.3, NM_001291628.2 and 13 more transcripts); c.3365C>T, p.Ser1122Leu (NM_001395686.1); c.3242C>T, p.Ser1081Leu (NM_001395687.1, NM_001395688.1, NM_001395689.1 and 2 more transcripts); c.3080C>T, p.Ser1027Leu (NM_001395691.1); c.1964C>T, p.Ser655Leu (NM_001395697.1); short protein forms S1027L, S1081L, S1122L, S1216L, S655L.
Identifiers: ClinVar variation 1720063 (VCV001720063.6), dbSNP rs1891128178, ClinGen allele CA390874544.